The following is an entry in ClinVar:

NM_004415.4(DSP):c.2985G>A (p.Glu995=)

Gene: DSP (desmoplakin; plus strand). Cytogenetic location: 6p24.3.
Variant type: single nucleotide variant.
Coding change: c.2985G>A on transcript NM_004415.4 (MANE Select); coding-DNA position 2985, G replaced by A.
Protein change: p.Glu995=; no amino-acid change (glutamic acid 995 retained).
Molecular consequence: synonymous variant.
Genome position (GRCh38, 1-based): chr6:7,577,886, G>A. VCF-style: chr6-7577886-G-A. GRCh37 (hg19) VCF-style: chr6-7578119-G-A.
Other names: p.E995E:GAG>GAA; c.2985G>A (LRG_423t1, NM_004415.3); c.2985G>A, p.Glu995= (NM_001008844.3, NM_001319034.2).
Identifiers: ClinVar variation 199877 (VCV000199877.17), dbSNP rs768858918, ClinGen allele CA005698.

ClinVar aggregate classification (germline): Conflicting classifications of pathogenicity. Review status: criteria provided, conflicting classifications (1 of 4 stars). 6 submissions from 6 submitters: Likely pathogenic (1); Uncertain significance (4). 1 of the submissions does not count toward it. Last evaluated 2025-12-27.

Conditions:
Cardiovascular phenotype. Identifiers: MedGen CN230736.
DSP-related disorder. Also called: DSP-related condition; DSP-related disorders.
Cardiomyopathy (CMYO). Also called: Cardiomyopathies. Identifiers: Orphanet 167848, MedGen C0878544, MONDO:0004994, HP:0001638. Inheritance: Various modes of inheritance.
Arrhythmogenic cardiomyopathy with wooly hair and keratoderma. Also called: Arrhythmogenic cardiomyopathy with woolly hair and keratoderma; Carvajal syndrome; Dilated cardiomyopathy with woolly hair and keratoderma; PALMOPLANTAR KERATODERMA WITH LEFT VENTRICULAR CARDIOMYOPATHY AND WOOLLY HAIR. Identifiers: Orphanet 65282, MedGen C1854063, MONDO:0011581, OMIM 605676.
Arrhythmogenic right ventricular dysplasia 8 (ARVD8). Also called: Arrhythmogenic Right Ventricular Dysplasia/Cardiomyopathy 8; ARRHYTHMOGENIC RIGHT VENTRICULAR DYSPLASIA, FAMILIAL, 8; ARRHYTHMOGENIC RIGHT VENTRICULAR CARDIOMYOPATHY 8. Identifiers: MedGen C1843896, MONDO:0011831, OMIM 607450.

Allele frequency attached by ClinVar (database versions not stated): gnomAD 0.00001; gnomAD exomes 0.00001 and 0.00002; ExAC 0.00002; TOPMed 0.00003.
gnomAD v4.1: 9 of 1,611,532 alleles (0.00056%); highest among the groups gnomAD compares: African/African-American, 0.0067%; no homozygotes.

Submissions (6):

Labcorp Genetics (formerly Invitae), Labcorp
Classification: Uncertain significance for Arrhythmogenic cardiomyopathy with wooly hair and keratoderma; Arrhythmogenic right ventricular dysplasia 8. Last evaluated: 2025-12-27. Review status: criteria provided, single submitter. Criteria: Invitae Variant Classification Sherloc (09022015). Collection method: clinical testing. Allele origin: germline.
Comment: This sequence change affects codon 995 of the DSP mRNA. It is a 'silent' change, meaning that it does not change the encoded amino acid sequence of the DSP protein. This variant also falls at the last nucleotide of exon 21, which is part of the consensus splice site for this exon. This variant is present in population databases (rs768858918, gnomAD 0.02%). This variant has not been reported in the literature in individuals affected with DSP-related conditions. ClinVar contains an entry for this variant (Variation ID: 199877). Variants that disrupt the consensus splice site are a relatively common cause of aberrant splicing (PMID: 17576681, 9536098). Algorithms developed to predict the effect of sequence changes on RNA splicing suggest that this variant may disrupt the consensus splice site. In summary, the available evidence is currently insufficient to determine the role of this variant in disease. Therefore, it has been classified as a Variant of Uncertain Significance.

All of Us Research Program, National Institutes of Health
Classification: Uncertain significance for Arrhythmogenic cardiomyopathy with wooly hair and keratoderma. Last evaluated: 2023-08-15. Review status: criteria provided, single submitter. Criteria: ACMG Guidelines, 2015. Collection method: clinical testing. Allele origin: germline. Inheritance: Autosomal dominant inheritance. Observed: 2 variant alleles, 2 heterozygotes.
Comment: This synonymous variant alters a conserved last nucleotide c.G of exon 21 in the DSP gene and is predicted to affect RNA splicing. To our knowledge, functional studies have not been reported for this variant. This variant has not been reported in individuals affected with DSP-related disorders in the literature. This variant has been identified in 4/251266 chromosomes in the general population by the Genome Aggregation Database (gnomAD). The available evidence is insufficient to determine the role of this variant in disease conclusively. Therefore, this variant is classified as a Variant of Uncertain Significance.

This study involves interpretation of variants in research participants for the purpose of population health screening. Participant phenotype was not available at the time of variant classification. Additional details can be found in publication PMID: 35346344, PMCID: PMC8962531

Ambry Genetics
Classification: Uncertain significance for Cardiovascular phenotype. Last evaluated: 2023-08-08. Review status: criteria provided, single submitter. Criteria: Ambry Variant Classification Scheme 2023. Collection method: clinical testing. Allele origin: germline.
Comment: The c.2985G>A variant (also known as p.E995E) is located in coding exon 21 of the DSP gene. This variant results from a G to A substitution at nucleotide position 2985. This nucleotide substitution does not change the glutamic acid at codon 995. However, this change occurs in the last base pair of coding exon 21, which makes it likely to have some effect on normal mRNA splicing. This nucleotide position is highly conserved in available vertebrate species. In silico splice site analysis predicts that this alteration may weaken the native splice donor site and may result in the creation or strengthening of a novel splice donor site. Since supporting evidence is limited at this time, the clinical significance of this alteration remains unclear.

Color Diagnostics, LLC DBA Color Health
Classification: Uncertain significance for Cardiomyopathy. Last evaluated: 2023-04-28. Review status: criteria provided, single submitter. Criteria: ACMG Guidelines, 2015. Collection method: clinical testing. Allele origin: germline.
Comment: This synonymous variant alters a conserved last nucleotide c.G of exon 21 in the DSP gene and is predicted to affect RNA splicing. To our knowledge, functional studies have not been reported for this variant. This variant has not been reported in individuals affected with DSP-related disorders in the literature. This variant has been identified in 4/251266 chromosomes in the general population by the Genome Aggregation Database (gnomAD). The available evidence is insufficient to determine the role of this variant in disease conclusively. Therefore, this variant is classified as a Variant of Uncertain Significance.

GeneDx
Classification: Likely pathogenic. Last evaluated: 2014-07-16. Review status: criteria provided, single submitter. Criteria: GeneDx Variant Classification (06012015). Collection method: clinical testing. Allele origin: germline. Affected: yes.
Comment: p.Glu995Glu (GAG>GAA): c.2985 G>A in exon 21 of the DSP gene (NM_004415.2). The c.2985 G>A variant in the DSP gene has not been reported as a disease-causing mutation or as a benign polymorphism to our knowledge. The c.2985 G>A mutation results in a synonymous change of the residue E995 in the DSP gene, which alters the last nucleotide of exon 21, immediately 5' of the cannonical GT" splice donor site. In silico analysis predicts this mutation destroys the donor site at the exon 21/intron 21 junction in the DSP gene, which may lead to abnormal gene splicing. Furthermore, the c.2985 G>A mutation was not observed in approximately 6,500 individuals of European and African American ancestry in the NHLBI Exome Sequencing Project, indicating it is not a common benign variant in these populations. Therefore, this variant is a strong candidate for a pathogenic mutation, however the possibility that it is a benign variant cannot be excluded. The variant is found in ARRHYTHMIA panel(s)."

PreventionGenetics, part of Exact Sciences
Classification: Uncertain significance for DSP-related condition. Last evaluated: 2024-05-28. Review status: no assertion criteria provided. Collection method: clinical testing. Allele origin: germline. Not counted in ClinVar's aggregate classification.
Comment: The DSP c.2985G>A variant is not predicted to result in an amino acid change (p.=). This variant is located at the last nucleotide of the exon and is predicted to abolish the canonical splice donor site and create a cryptic splice donor site; however, it is uncertain if it would lead to a loss-of-function (SpliceAI, Jaganathan et al. 2019. PubMed ID: 30661751). To our knowledge, this variant has not been reported in the literature. This variant is reported in 0.018% of alleles in individuals of African descent in gnomAD. At this time, the clinical significance of this variant is uncertain due to the absence of conclusive functional and genetic evidence.

Literature cited by the submitters: PubMed 17576681 (cited by Labcorp Genetics (formerly Invitae), Labcorp); PubMed 9536098 (cited by Labcorp Genetics (formerly Invitae), Labcorp).